The following is an entry in ClinVar:

NM_020745.4(AARS2):c.938A>G (p.Asp313Gly)

Genes: AARS2 (alanyl-tRNA synthetase 2, mitochondrial; minus strand), POLR1C (RNA polymerase I and III subunit C; plus strand). Cytogenetic location: 6p21.1.
Variant type: single nucleotide variant.
Coding change: c.938A>G on transcript NM_020745.4 (MANE Select); coding-DNA position 938, A replaced by G.
Protein change: p.Asp313Gly; replaces aspartic acid 313 with glycine.
Molecular consequence: missense variant.
Genome position (GRCh38, 1-based): chr6:44,307,351, T>C on the plus strand (A>G on the coding strand, the complement: AARS2 is on the minus strand). VCF-style: chr6-44307351-T-C. GRCh37 (hg19) VCF-style: chr6-44275088-T-C.
Other names: short protein forms D313G.
Identifiers: ClinVar variation 1050486 (VCV001050486.1), dbSNP rs2153355456, ClinGen allele CA364340328.
Genomic context (GRCh38, chr6:44,307,351, plus strand): 5'-ACACTGAGTGTGCGGATGTGGTCAGCCACCACGCGGTACGCTGTGTCTGTGCGCCCCTCG[T>C]CTGCCACCCCTACTCGGCCCAAGTAAGGGGGTGCCCTGCAGCCCTGGGAAGCAGAAGAGT-3'
Protein context (NP_065796.2, residues 303-323): PPYLGRVGVA[Asp313Gly]EGRTDTAYRV

ClinVar aggregate classification (germline): Uncertain significance (0 of 4 stars; one submission).

Submission:

Department of Pathology and Laboratory Medicine, Sinai Health System
Classification: Uncertain significance. Review status: no assertion criteria provided. Collection method: clinical testing. Allele origin: unknown. Affected: yes. Study: The Canadian Open Genetics Repository (COGR).
Comment: The AARS2 p.Asp313Gly variant was not identified in the literature nor was it identified in dbSNP, ClinVar or in the following control databases: the 1000 Genomes Project, the NHLBI GO Exome Sequencing Project, the Exome Aggregation Consortium (August 8th 2016), or the Genome Aggregation Database (March 6, 2019, v2.1.1). The p.Asp313 residue is conserved in mammals and computational analyses (PolyPhen-2, SIFT, AlignGVGD, BLOSUM, MutationTaster) provide inconsistent predictions regarding the impact to the protein; this information is not very predictive of pathogenicity. The variant occurs outside of the splicing consensus sequence and three of four in silico or computational prediction software programs (SpliceSiteFinder, MaxEntScan, NNSPLICE, GeneSplicer) do not predict a greater than 10% difference in splicing; this is not very predictive of pathogenicity. In summary, based on the above information the clinical significance of this variant cannot be determined with certainty at this time. This variant is classified as a variant of uncertain significance.